The following is an entry in ClinVar:

NM_017986.4(SLC52A1):c.1314C>G (p.Ser438Arg)

Gene: SLC52A1 (solute carrier family 52 member 1; minus strand). Cytogenetic location: 17p13.2.
Variant type: single nucleotide variant.
Coding change: c.1314C>G on transcript NM_017986.4 (MANE Select); coding-DNA position 1314, C replaced by G.
Protein change: p.Ser438Arg; replaces serine 438 with arginine.
Molecular consequence: missense variant.
Genome position (GRCh38, 1-based): chr17:5,032,990, G>C on the plus strand (C>G on the coding strand, the complement: SLC52A1 is on the minus strand). VCF-style: chr17-5032990-G-C. GRCh37 (hg19) VCF-style: chr17-4936285-G-C.
Other names: c.1314C>G, p.Ser438Arg (NM_001104577.2); short protein forms S438R.
Identifiers: ClinVar variation 1387527 (VCV001387527.8), dbSNP rs778902357, ClinGen allele CA8319571.

ClinVar aggregate classification (germline): Uncertain significance (1 of 4 stars; one submission).

Conditions:
Vitamin B2 deficiency. Identifiers: MedGen C0035528.

Allele frequency attached by ClinVar (database versions not stated): gnomAD exomes below 0.00001; ExAC 0.00001; gnomAD 0.00003 and 0.00004; TOPMed 0.00007.

Submission:

Labcorp Genetics (formerly Invitae), Labcorp
Classification: Uncertain significance for Vitamin B2 deficiency. Last evaluated: 2021-02-25. Review status: criteria provided, single submitter. Criteria: Invitae Variant Classification Sherloc (09022015). Collection method: clinical testing. Allele origin: germline.
Comment: In summary, the available evidence is currently insufficient to determine the role of this variant in disease. Therefore, it has been classified as a Variant of Uncertain Significance. Algorithms developed to predict the effect of missense changes on protein structure and function are either unavailable or do not agree on the potential impact of this missense change (SIFT: "Deleterious"; PolyPhen-2: "Benign"; Align-GVGD: "Class C0"). This variant has not been reported in the literature in individuals with SLC52A1-related conditions. This variant is present in population databases (rs778902357, ExAC 0.01%). This sequence change replaces serine with arginine at codon 438 of the SLC52A1 protein (p.Ser438Arg). The serine residue is highly conserved and there is a moderate physicochemical difference between serine and arginine.